The following is an entry in ClinVar:

ClinVar aggregate classification (germline): Uncertain significance (1 of 4 stars; one submission).

Conditions:
Hereditary cancer-predisposing syndrome. Also called: Neoplastic Syndromes, Hereditary; Tumor predisposition; Hereditary Cancer Syndrome; Hereditary neoplastic syndrome. Identifiers: Orphanet 140162, MedGen C0027672, MeSH D009386, MONDO:0015356.

Submission:

Ambry Genetics
Classification: Uncertain significance for Hereditary cancer-predisposing syndrome. Last evaluated: 2026-05-01. Review status: criteria provided, single submitter. Criteria: Ambry Variant Classification Scheme 2023. Collection method: clinical testing. Allele origin: germline.
Comment: The c.1978delG variant, located in coding exon 17 of the EGFR gene, results from a deletion of one nucleotide at nucleotide position 1978, causing a translational frameshift with a predicted alternate stop codon (p.V660Wfs*45). This alteration is expected to result in loss of function by premature protein truncation or nonsense-mediated mRNA decay. Although biallelic loss of function of EGFR are known to cause EGFR-related neonatal inflammatory skin and bowel disease, such associations with EGFR-related lung cancer have not been reported. Based on the supporting evidence, this variant is expected to be causative of EGFR-related neonatal inflammatory skin and bowel disease when present along with a second pathogenic variant on the other allele; however, its clinical significance for EGFR-related lung cancer is unclear.

NM_005228.5(EGFR):c.1978del (p.Val660fs)

Gene: EGFR (epidermal growth factor receptor; plus strand). Cytogenetic location: 7p11.2.
Variant type: Deletion.
Coding change: c.1978del on transcript NM_005228.5 (MANE Select); coding-DNA position 1978, one base deleted (G; older notation c.1978delG).
Protein change: p.Val660fs; shifts the reading frame from valine 660.
Molecular consequence: frameshift variant.
Genome position (GRCh38, 1-based): chr7:55,173,041, G deleted; the last of 2 consecutive G bases (chr7:55,173,040-55,173,041); deleting either gives the same sequence. VCF-style (leftmost placement, unchanged base first): chr7-55173039-TG-T. GRCh37 (hg19) VCF-style: chr7-55240732-TG-T.
Other names: c.1843del, p.Val615fs (NM_001346897.2, NM_001346899.2); c.1978del, p.Val660fs (NM_001346898.2); c.1819del, p.Val607fs (NM_001346900.2); c.1177del, p.Val393fs (NM_001346941.2); short protein forms V393fs, V607fs, V615fs, V660fs.
Identifiers: ClinVar variation 4870260 (VCV004870260.1).
Genomic context (GRCh38, chr7:55,173,039, plus strand): 5'-CCAGGCCTAAGATCCCGTCCATCGCCACTGGGATGGTGGGGGCCCTCCTCTTGCTGCTGG[TG>T]GTGGCCCTGGGGATCGGCCTCTTCATGCGAAGGCGCCACATCGTTCGGAAGCGCACGCTG-3'